The following is an entry in ClinVar:

NM_005045.4(RELN):c.4904_4905insA (p.Met1635fs)

Gene: RELN (reelin; minus strand). Cytogenetic location: 7q22.1.
Variant type: Insertion.
Coding change: c.4904_4905insA on transcript NM_005045.4 (MANE Select); coding-DNA positions 4904 to 4905, A inserted.
Protein change: p.Met1635fs; shifts the reading frame from methionine 1635.
Molecular consequence: frameshift variant.
Genome position: GRCh38 VCF-style: chr7-103566255-C-CT. GRCh37 (hg19) VCF-style: chr7-103206702-C-CT.
Other names: c.4904_4905insA, p.Met1635fs (NM_173054.3); short protein forms M1635fs.
Identifiers: ClinVar variation 1388018 (VCV001388018.6), dbSNP rs2117188195, ClinGen allele CA2573141401.

ClinVar aggregate classification (germline): Pathogenic (1 of 4 stars; one submission).

Conditions:
Norman-Roberts syndrome (LIS2). Also called: Lissencephaly 2 (Norman-Roberts type). Identifiers: Orphanet 89844, MedGen C0796089, MONDO:0009760, OMIM 257320.
Familial temporal lobe epilepsy 7. Identifiers: Orphanet 101046, MedGen C4225327, MONDO:0014639, OMIM 616436.

Submission:

Labcorp Genetics (formerly Invitae), Labcorp
Classification: Pathogenic for Familial temporal lobe epilepsy 7; Norman-Roberts syndrome. Last evaluated: 2022-11-15. Review status: criteria provided, single submitter. Criteria: Invitae Variant Classification Sherloc (09022015). Collection method: clinical testing. Allele origin: germline.
Comment: For these reasons, this variant has been classified as Pathogenic. Algorithms developed to predict the effect of sequence changes on RNA splicing suggest that this variant may create or strengthen a splice site. ClinVar contains an entry for this variant (Variation ID: 1388018). This variant has not been reported in the literature in individuals affected with RELN-related conditions. This variant is not present in population databases (gnomAD no frequency). This sequence change creates a premature translational stop signal (p.Met1635Ilefs*9) in the RELN gene. It is expected to result in an absent or disrupted protein product. Loss-of-function variants in RELN are known to be pathogenic (PMID: 10973257, 26046367, 28454995).

Literature cited by the submitters: PubMed 10973257; PubMed 26046367; PubMed 28454995.